The following is an entry in ClinVar:

ClinVar aggregate classification (germline): Uncertain significance (1 of 4 stars; one submission).

Submission:

Labcorp Genetics (formerly Invitae), Labcorp
Classification: Uncertain significance. Last evaluated: 2022-08-09. Review status: criteria provided, single submitter. Criteria: Invitae Variant Classification Sherloc (09022015). Collection method: clinical testing. Allele origin: germline.
Comment: This variant is not present in population databases (gnomAD no frequency). This sequence change falls in intron 4 of the ZNF408 gene. It does not directly change the encoded amino acid sequence of the ZNF408 protein. It affects a nucleotide within the consensus splice site. In summary, the available evidence is currently insufficient to determine the role of this variant in disease. Therefore, it has been classified as a Variant of Uncertain Significance. Variants that disrupt the consensus splice site are a relatively common cause of aberrant splicing (PMID: 17576681, 9536098). Algorithms developed to predict the effect of sequence changes on RNA splicing suggest that this variant may disrupt the consensus splice site. This variant has not been reported in the literature in individuals affected with ZNF408-related conditions.

Literature cited by the submitters: PubMed 17576681; PubMed 9536098.

NM_024741.3(ZNF408):c.652+2T>C

Gene: ZNF408 (zinc finger protein 408; plus strand). Cytogenetic location: 11p11.2.
Variant type: single nucleotide variant.
Coding change: c.652+2T>C on transcript NM_024741.3 (MANE Select); the canonical splice donor site of the intron after coding-DNA position 652, T replaced by C.
Molecular consequence: splice donor variant.
Genome position (GRCh38, 1-based): chr11:46,703,245, T>C. VCF-style: chr11-46703245-T-C. GRCh37 (hg19) VCF-style: chr11-46724795-T-C.
Other names: c.628+2T>C (NM_001184751.2).
Identifiers: ClinVar variation 2041503 (VCV002041503.4), dbSNP rs2502789646, ClinGen allele CA380252890.